The following is an entry in ClinVar:

ClinVar aggregate classification (germline): Likely benign. Review status: criteria provided, multiple submitters, no conflicts (2 of 4 stars). 2 submissions from 2 submitters: Likely benign (2). Last evaluated 2026-09-01.

Conditions:
Inborn genetic diseases. Identifiers: MedGen C0950123, MeSH D030342.

gnomAD v4.1: 76 of 1,585,922 alleles (0.0048%); highest among the groups gnomAD compares: Admixed American, 0.11%; no homozygotes.

Submissions (2):

CeGaT Center for Human Genetics Tuebingen
Classification: Likely benign. Last evaluated: 2026-09-01. Review status: criteria provided, single submitter. Criteria: CeGaT Center For Human Genetics Tuebingen Variant Classification Criteria Version 2. Collection method: clinical testing. Allele origin: germline. Affected: yes. Observed: 1 variant allele.
Comment: SRRM2: BS1:Supporting, BS2

Ambry Genetics
Classification: Likely benign for Inborn genetic diseases. Last evaluated: 2025-01-22. Review status: criteria provided, single submitter. Criteria: Ambry Variant Classification Scheme 2023. Collection method: clinical testing. Allele origin: germline.

NM_016333.4(SRRM2):c.7973C>A (p.Ala2658Asp)

Gene: SRRM2 (serine/arginine repetitive matrix 2; plus strand). Cytogenetic location: 16p13.3.
Variant type: single nucleotide variant.
Coding change: c.7973C>A on transcript NM_016333.4 (MANE Select); coding-DNA position 7973, C replaced by A.
Protein change: p.Ala2658Asp; replaces alanine 2658 with aspartic acid.
Molecular consequence: missense variant.
Genome position (GRCh38, 1-based): chr16:2,769,236, C>A. VCF-style: chr16-2769236-C-A. GRCh37 (hg19) VCF-style: chr16-2819237-C-A.
Other names: short protein forms A2658D.
Identifiers: ClinVar variation 3801576 (VCV003801576.2).